The following is an entry in ClinVar:

NM_001204.7(BMPR2):c.600A>C (p.Leu200=)

Gene: BMPR2 (bone morphogenetic protein receptor type 2; plus strand). Cytogenetic location: 2q33.2.
Variant type: single nucleotide variant.
Coding change: c.600A>C on transcript NM_001204.7 (MANE Select); coding-DNA position 600, A replaced by C.
Protein change: p.Leu200=; no amino-acid change (leucine 200 retained).
Molecular consequence: synonymous variant.
Genome position (GRCh38, 1-based): chr2:202,514,958, A>C. VCF-style: chr2-202514958-A-C. GRCh37 (hg19) VCF-style: chr2-203379681-A-C.
Other names: p.Leu200=.
Identifiers: ClinVar variation 162791 (VCV000162791.38), dbSNP rs55722784, ClinGen allele CA175327.

ClinVar aggregate classification (germline): Benign/Likely benign. Review status: criteria provided, multiple submitters, no conflicts (2 of 4 stars). 11 submissions from 11 submitters: Benign (8); Likely benign (3). Last evaluated 2026-02-03.

Conditions:
Primary pulmonary hypertension. Also called: Idiopathic pulmonary hypertension. Identifiers: MedGen C0152171.
Inborn genetic diseases. Identifiers: MedGen C0950123, MeSH D030342.
Pulmonary hypertension, primary, 1 (PPH1). Also called: Pulmonary hypertension, familial primary, 1, with or without HHT. Identifiers: Orphanet 422, MedGen C4552070, MONDO:0024533, OMIM 178600.
Pulmonary venoocclusive disease 1 (PVOD1). Also called: Pulmonary venoocclusive disease 1, autosomal dominant. Identifiers: Orphanet 31837, MedGen C3887658, MONDO:0020713, OMIM 265450.

Allele frequency attached by ClinVar (database versions not stated): 1000 Genomes Project 30x 0.00547; 1000 Genomes Project 0.00619; TOPMed 0.01122; ESP Exome Variant Server 0.01176; ExAC 0.01363; gnomAD 0.01418 and 0.01458; gnomAD exomes 0.01443.
gnomAD v4.1: 27,893 of 1,614,092 alleles (1.7%); highest among the groups gnomAD compares: Non-Finnish European, 1.9%; 336 homozygotes.

Submissions (11):

Labcorp Genetics (formerly Invitae), Labcorp
Classification: Benign for Primary pulmonary hypertension. Last evaluated: 2026-02-03. Review status: criteria provided, single submitter. Criteria: Invitae Variant Classification Sherloc (09022015). Collection method: clinical testing. Allele origin: germline.

ARUP Laboratories, Molecular Genetics and Genomics, ARUP Laboratories
Classification: Benign. Last evaluated: 2025-06-12. Review status: criteria provided, single submitter. Criteria: ARUP Molecular Germline Variant Investigation Process 2024. Collection method: clinical testing. Allele origin: germline.

Blueprint Genetics
Classification: Likely benign. Last evaluated: 2024-11-26. Review status: criteria provided, single submitter. Criteria: ACMG Guidelines, 2015. Collection method: clinical testing. Allele origin: germline.

Mayo Clinic Laboratories, Mayo Clinic
Classification: Benign. Last evaluated: 2023-02-28. Review status: criteria provided, single submitter. Criteria: ACMG Guidelines, 2015. Collection method: clinical testing. Allele origin: germline. Observed: 21 variant alleles.
Comment: BA1, BP4, BP7

Ambry Genetics
Classification: Likely benign for Inborn genetic diseases. Last evaluated: 2022-07-03. Review status: criteria provided, single submitter. Criteria: Ambry Variant Classification Scheme 2023. Collection method: clinical testing. Allele origin: germline.

Fulgent Genetics
Classification: Likely benign for Pulmonary hypertension, primary, 1; Pulmonary venoocclusive disease 1. Last evaluated: 2021-10-29. Review status: criteria provided, single submitter. Criteria: ACMG Guidelines, 2015. Collection method: clinical testing. Allele origin: unknown.

GeneDx
Classification: Benign. Last evaluated: 2018-04-30. Review status: criteria provided, single submitter. Criteria: GeneDx Variant Classification (06012015). Collection method: clinical testing. Allele origin: germline. Affected: yes.
Comment: This variant is considered likely benign or benign based on one or more of the following criteria: it is a conservative change, it occurs at a poorly conserved position in the protein, it is predicted to be benign by multiple in silico algorithms, and/or has population frequency not consistent with disease.

Illumina Laboratory Services, Illumina
Classification: Benign for Pulmonary hypertension, primary, 1. Last evaluated: 2018-01-13. Review status: criteria provided, single submitter. Criteria: ICSL Variant Classification Criteria 13 December 2019. Collection method: clinical testing. Allele origin: germline.
Comment: This variant was observed in the ICSL laboratory as part of a predisposition screen in an ostensibly healthy population. It had not been previously curated by ICSL or reported in the Human Gene Mutation Database (HGMD: prior to June 1st, 2018), and was therefore a candidate for classification through an automated scoring system. Utilizing variant allele frequency, disease prevalence and penetrance estimates, and inheritance mode, an automated score was calculated to assess if this variant is too frequent to cause the disease. Based on the score and internal cut-off values, a variant classified as benign is not then subjected to further curation. The score for this variant resulted in a classification of benign for this disease.

Laboratory for Molecular Medicine, Mass General Brigham Personalized Medicine
Classification: Benign. Last evaluated: 2013-02-21. Review status: criteria provided, single submitter. Criteria: LMM Criteria. Collection method: clinical testing. Allele origin: germline. Observed: 2 variant alleles.
Comment: Leu200Leu in exon 5 of BMPR2: This variant is not expected to have clinical sign ificance because it does not alter an amino acid residue and is not located with in the splice consensus sequence. It has been identified in 1.6% (135/8600) of E uropean American chromosomes from a broad population by the NHLBI Exome Sequenci ng Project (dbSNP rs55722784).

Breakthrough Genomics
Classification: Benign. Review status: criteria provided, single submitter. Criteria: ACMG Guidelines, 2015. Collection method: not provided. Allele origin: germline. Inheritance: Autosomal dominant inheritance. Affected: yes.

PreventionGenetics, part of Exact Sciences
Classification: Benign. Review status: criteria provided, single submitter. Criteria: ACMG Guidelines, 2015. Collection method: clinical testing. Allele origin: germline.